The following is an entry in ClinVar:

NM_000051.4(ATM):c.4495_4496insTAAA (p.Ser1499fs)

Gene: ATM (ATM serine/threonine kinase; plus strand). Cytogenetic location: 11q22.3.
Variant type: Insertion.
Coding change: c.4495_4496insTAAA on transcript NM_000051.4 (MANE Select); coding-DNA positions 4495 to 4496, TAAA inserted.
Protein change: p.Ser1499fs; shifts the reading frame from serine 1499.
Molecular consequence: frameshift variant.
Genome position: GRCh38 VCF-style: chr11-108292675-T-TAATA. GRCh37 (hg19) VCF-style: chr11-108163402-T-TAATA.
Other names: c.4495_4496insTAAA, p.Ser1499fs (NM_001351834.2); short protein forms S1499fs.
Identifiers: ClinVar variation 3148281 (VCV003148281.1), dbSNP rs2546924772, ClinGen allele CA2825001854.
Genomic context (GRCh38, chr11:108,292,675, plus strand): 5'-TTAGGCCTTCTTGTATCATGGATGTGTCATTACGTAGCTTCTCCCTTTGTTGTGACTTAT[T>TAATA]AAGTCAGGTTTGCCAGACAGCCGTGACTTACTGTAAGGATGCTCTAGAAAACCATCTTCA-3'

ClinVar aggregate classification (germline): Pathogenic (1 of 4 stars; one submission).

Conditions:
Familial cancer of breast. Also called: BREAST CANCER, FAMILIAL; Hereditary breast cancer; hereditary breast carcinoma. Identifiers: Orphanet 227535, MedGen C0346153, MONDO:0016419, OMIM 114480. Disease mechanism: loss of function.

Submission:

Myriad Genetics, Inc.
Classification: Pathogenic for Familial cancer of breast. Last evaluated: 2024-01-24. Review status: criteria provided, single submitter. Criteria: Myriad Autosomal Dominant, Autosomal Recessive and X-Linked Classification Criteria (2023). Collection method: clinical testing. Allele origin: unknown.
Comment: This variant is considered pathogenic. This variant creates a frameshift predicted to result in premature protein truncation.